The following is an entry in ClinVar:

ClinVar aggregate classification (germline): Likely benign (1 of 4 stars; one submission).

Allele frequency attached by ClinVar (database versions not stated): TOPMed 0.00295; 1000 Genomes Project 30x 0.00359; 1000 Genomes Project 0.00319.
gnomAD v4.1: 411 of 152,190 alleles (0.27%); highest among the groups gnomAD compares: African/African-American, 0.97%; 4 homozygotes.

Submission:

GeneDx
Classification: Likely benign. Last evaluated: 2018-06-14. Review status: criteria provided, single submitter. Criteria: GeneDx Variant Classification (06012015). Collection method: clinical testing. Allele origin: germline. Affected: yes.
Comment: This variant is considered likely benign or benign based on one or more of the following criteria: it is a conservative change, it occurs at a poorly conserved position in the protein, it is predicted to be benign by multiple in silico algorithms, and/or has population frequency not consistent with disease.

NM_030962.4(SBF2):c.513+297G>A

Gene: SBF2 (SET binding factor 2; minus strand). Cytogenetic location: 11p15.4.
Variant type: single nucleotide variant.
Coding change: c.513+297G>A on transcript NM_030962.4 (MANE Select); 297 bases into the intron after coding-DNA position 513, G replaced by A.
Molecular consequence: intron variant.
Genome position (GRCh38, 1-based): chr11:10,029,468, C>T on the plus strand (G>A on the coding strand, the complement: SBF2 is on the minus strand). VCF-style: chr11-10029468-C-T. GRCh37 (hg19) VCF-style: chr11-10051015-C-T.
Other names: c.513+297G>A (NM_001386342.1, NM_001386339.1).
Identifiers: ClinVar variation 672637 (VCV000672637.1), dbSNP rs181190005, ClinGen allele CA217678179.